The following continues an entry in ClinVar:

NM_000298.6(PKLR):c.1456C>T (p.Arg486Trp)

Gene: PKLR. ClinVar aggregate classification (germline): Pathogenic/Likely pathogenic. Pathogenic (26); Likely pathogenic (4).

Submissions 24 to 33 of 33:

Victorian Clinical Genetics Services, Murdoch Childrens Research Institute
Classification: Pathogenic for Pyruvate kinase deficiency of red cells. Last evaluated: 2022-03-31. Review status: criteria provided, single submitter. Criteria: ACMG Guidelines, 2015. Collection method: clinical testing. Allele origin: germline. Inheritance: Autosomal recessive inheritance.
Comment: Based on the classification scheme VCGS_Germline_v1.3.4, this variant is classified as pathogenic. The following criteria are met: 0102 - Loss of function is a known mechanism of disease in this gene and is associated with pyruvate kinase deficiency (MIM#266200). (I) 0108 - This gene is associated with both recessive and dominant disease. Both dominant elevated adenosine triphosphate of erythrocytes (MIM#102900) and recessive pyruvate kinase deficiency (MIM#266200) have been associated with PKLR. However, most of the literature reports associate with the recessive condition. (I) 0200 - Variant is predicted to result in a missense amino acid change from arginine to tryptophan. (I) 0251 - This variant is heterozygous. (I) 0304 - Variant is present in gnomAD (v2) <0.01 for a recessive condition (829 heterozygotes, 2 homozygotes). (SP) 0309 - An alternative amino acid change at the same position has been observed in gnomAD (v2) (10 heterozygotes, 0 homozygotes). (I) 0501 - Missense variant consistently predicted to be damaging by multiple in silico tools and poorly conserved with a major amino acid change. (SP) 0600 - Variant is located in the annotated pyruvate kinase C-terminal domain (DECIPHER). (I) 0801 - This variant has strong previous evidence of pathogenicity in unrelated individuals. This variant is one of the most common variants reported in individuals with pyruvate kinase deficiency (ClinVar, PMIDs: 16704447, 32036089, 34093240). (SP) Legend: (SP) - Supporting pathogenic, (I) - Information, (SB) - Supporting benign

Laboratory for Molecular Medicine, Mass General Brigham Personalized Medicine
Classification: Likely pathogenic for Pyruvate kinase deficiency of red cells. Last evaluated: 2021-12-23. Review status: criteria provided, single submitter. Criteria: ACMG Guidelines, 2015. Collection method: clinical testing. Allele origin: germline. Inheritance: Autosomal recessive inheritance.
Comment: The p.Arg486Trp variant in PKLR has been reported in >30 compound heterozygous individuals with pyruvate kinase deficiency and segregated in 1 affected relative (PKD; Baronciani 1993 PMID:8483951, Zarza 1998 PMID:9827908, Manco 2000 PMID:11054094, Zanella 2001 PMID:11328279, Kedar 2009 PMID:18759866, Kager 2016 PMID:26728349, Jaouani 2017 PMID:28133914, Canu 2020 PMID:32974842, Milanesio 2021, Jamwal 2020 PMIDL32036089). It has also been identified in 0.812% (204/25114) of Finnish (unknown frequency of PKD) and 0.29% (375/128890) of European chromosomes (1:20,000 frequency of PKD) by gnomAD. This variant has been reported in ClinVar (Variation ID 1513). Enzymatic studies suggest that the p.Arg486Trp variant may be a mild mutation with reduced activity (Zarza 1998 PMID:9827908, Zanella 2001 PMID:11328279, Valentini 2002 PMID:11960989, and Kedar 2009 PMID:18759866). In summary, although additional studies are required to fully establish its clinical significance, the p.Arg486Trp variant meets criteria to be classified as likely pathogenic for autosomal recessive pyruvate kinase deficiency. ACMG/AMP Criteria applied: PM3_VeryStrong, PS3_Moderate.

Laboratorio de Genetica e Diagnostico Molecular, Hospital Israelita Albert Einstein
Classification: Pathogenic. Last evaluated: 2020-11-13. Review status: criteria provided, single submitter. Criteria: ACMG Guidelines, 2015. Collection method: clinical testing. Allele origin: germline. Affected: yes.
Comment: ACMG classification criteria: PS3, PS4, PM3, PP1, PP3, PP4, BS2

Genetics and Genomic Medicine Centre, NeuroGen Healthcare, NeuroGen Healthcare
Classification: Pathogenic for Pyruvate kinase deficiency of red cells. Last evaluated: 2020-01-17. Review status: criteria provided, single submitter. Criteria: Submitter's publication. Collection method: clinical testing. Allele origin: unknown. Affected: no.

Eurofins Ntd Llc (ga)
Classification: Likely pathogenic. Last evaluated: 2017-04-14. Review status: criteria provided, single submitter. Criteria: EGL Classification Definitions 2015. Collection method: clinical testing. Allele origin: germline. Observed: 8 variant alleles, 8 heterozygotes.

Knight Diagnostic Laboratories, Oregon Health and Sciences University
Classification: Likely pathogenic for Pyruvate kinase deficiency of red cells. Last evaluated: 2016-01-27. Review status: criteria provided, single submitter. Criteria: ACMG Guidelines, 2015. Collection method: clinical testing. Allele origin: germline. Affected: no. Study: CSER-NextGen.
Comment: The c.1456C>T (p.Arg486Trp) (NM_ 000298.5) missense variant has been reported in several unrelated individuals diagnosed with PK deficiency. These families have a well-documented clinical history of anemia (Zarza et al. 1998). Case-control studies have reported this variant as a common disease causing variant accounting for 9%-32% of diagnosed cases (Zarza et al., 1998; Zanella et al., 2001; Kedar et al., 2009). This variant has often been reported in trans with several pathogenic variants, and functional studies have shown that patients harboring this variant, in a compound heterozygous state, have reduced PK activity relative to normal controls (Zarza et al., 1998; Zanella et al., 2001; Valentini et al. 2002; Kedar et al., 2009). This c.1456C>T variant is reported at low frequency in the population databases (ESP = 0.291%; 1000 Genomes = 1%; ExAC = 0.298%), and multiple in silico algorithms predict this variant to have a deleterious effect (GERP = 4.85; CADD = 18.75; PolyPhen = 1; SIFT = 0). Therefore, this collective evidence supports the classification of the c.1456C>T (p.Arg486Trp) variant as a recessive Likely Pathogenic variant for PK deficiency.

Juno Genomics, Hangzhou Juno Genomics, Inc
Classification: Pathogenic for Pyruvate kinase deficiency of red cells. Review status: criteria provided, single submitter. Criteria: ACMG Guidelines, 2015. Collection method: clinical testing. Allele origin: germline. Affected: yes.
Comment: For recessive disorders, detected in trans with a pathogenic variant.;Co-segregation with disease in multiple affected family members in a gene definitively known to cause the disease.;Well-established in vitro or in vivo functional studies supportive of a damaging effect on the gene or gene product.

Reproductive Health Research and Development, BGI Genomics
Classification: Pathogenic for Adenosine triphosphate, elevated, of erythrocytes. Last evaluated: 2020-01-06. Review status: no assertion criteria provided. Collection method: curation. Allele origin: germline. Not counted in ClinVar's aggregate classification.
Comment: NM_000298.5:c.1456C>T in the PKLR gene has an allele frequency of 0.008 in European (Finnish) subpopulation in the gnomAD database. This variant has been reported in multiple individuals with Pyruvate kinase deficiency, in a compound heterozygous state: 1190A>T/1456C>T, 1042-1044del/1456C>T, 992A>G/1456C>T, 1436G>A/1456C>T (PMID: 18759866); 1456C>T/1675C>T, 1456C>T/1010G>A, 1456C>T/1223C>T, 1456C>T/1070T>C, 1456C>T/721G>T(PMID: 9827908). Functional studies suggest that the p.Arg486Trp variant may be a mild mutation with reduced enzyme activity (PMID: 11960989).Taken together, we interprete this variant as Pathogenic/Likely pathogenic variant. ACMG/AMP Criteria applied: PM3_VeryStrong, PS3, PP4.

OMIM
Classification: Pathogenic for ANEMIA, CONGENITAL, NONSPHEROCYTIC HEMOLYTIC, 2. Last evaluated: 2009-02-01. Review status: no assertion criteria provided. Collection method: literature only. Allele origin: germline. Not counted in ClinVar's aggregate classification.

Department of Pathology and Laboratory Medicine, Sinai Health System
Classification: Pathogenic. Review status: no assertion criteria provided. Collection method: clinical testing. Allele origin: unknown. Affected: yes. Study: The Canadian Open Genetics Repository (COGR). Not counted in ClinVar's aggregate classification.
Comment: The PKLR p.R486W variant was identified in over 30 individuals with pyruvate kinase deficiency and haemolytic anemia as a compound heterozygous variant; phenotypes ranged from mild to severe (Russo_2018_PMID:29396846; Jaouani_2017_PMID:28133914; Montllor_2016_PMID:27871768; Kedar_2009_PMID:18759866; Zanella_2001_PMID:11328279; Manco_2000_PMID:11054094; Zarza_1998_PMID:9827908; Baronciani_1993_PMID:8483951; Marcello_2008_PMID:18708292). The variant was identified in dbSNP (ID: rs116100695) and ClinVar (classified as pathogenic by Fulgent Genetics, ARUP Laboratories and Reproductive Health Research and Development, BGI Genomics, as likely pathogenic by Laboratory of Molecular Medicine, EGL Genetics and Knight Diagnostic Laboratories, Oregon Health and Services University, and as likely benign by Invitae). The variant was identified in control databases in 833 of 282498 chromosomes (2 homozygous) at a frequency of 0.002949 (Genome Aggregation Database March 6, 2019, v2.1.1). The variant was observed in the following populations: European (Finnish) in 204 of 25114 chromosomes (freq: 0.008123), South Asian in 113 of 30616 chromosomes (freq: 0.003691), European (non-Finnish) in 375 of 128890 chromosomes (freq: 0.002909), Other in 20 of 7218 chromosomes (freq: 0.002771), Ashkenazi Jewish in 28 of 10360 chromosomes (freq: 0.002703), Latino in 80 of 35424 chromosomes (freq: 0.002258) and African in 13 of 24926 chromosomes (freq: 0.000522), but was not observed in the East Asian population. Although the p.R486 residue is not conserved in mammals and other organisms, computational analyses (PolyPhen-2, SIFT, AlignGVGD, BLOSUM, MutationTaster) suggest that the variant may impact the protein. The variant occurs outside of the splicing consensus sequence and 1 of 4 in silico or computational prediction software programs (SpliceSiteFinder, MaxEntScan, NNSPLICE, GeneSplicer) predict a greater than 10% difference in splicing; this is not very predictive of pathogenicity. Functional data suggests that this variant results in decreased catalytic efficiency (Valentini_2002_PMID:11960989). In summary, based on the above information this variant meets our laboratoryâ€šÃ„Ã´s criteria to be classified as pathogenic.

Literature cited by the submitters: PubMed 9827908 (cited by 6 submitters); PubMed 11328279 (cited by 5 submitters); PubMed 11960989 (cited by 7 submitters); PubMed 18759866 (cited by 4 submitters); PubMed 28133914 (cited by 3 submitters); PubMed 29519373 (cited by Ambry Genetics); PubMed 32036089 (cited by 3 submitters); PubMed 9057665 (cited by Dasa and Labcorp Genetics (formerly Invitae), Labcorp); PubMed 9657767 (cited by Dasa and Labcorp Genetics (formerly Invitae), Labcorp); PubMed 11054094 (cited by 4 submitters); PubMed 17574881 (cited by Dasa and Labcorp Genetics (formerly Invitae), Labcorp); PubMed 27871768 (cited by 3 submitters); PubMed 32974842 (cited by 4 submitters); PubMed 17360088 (cited by Labcorp Genetics (formerly Invitae), Labcorp and Center for Genomic Medicine, Rigshospitalet, Copenhagen University Hospital); PubMed 9482576 (cited by Labcorp Genetics (formerly Invitae), Labcorp and Women's Health and Genetics/Laboratory Corporation of America, LabCorp); PubMed 10354117 (cited by Labcorp Genetics (formerly Invitae), Labcorp); PubMed 8483951 (cited by 3 submitters); PubMed 16704447 (cited by 3 submitters); PubMed 1196098 (cited by Variantyx, Inc.); PubMed 9160692 (cited by Women's Health and Genetics/Laboratory Corporation of America, LabCorp); PubMed 34093240 (cited by Victorian Clinical Genetics Services, Murdoch Childrens Research Institute); PubMed 27346685 (cited by Laboratory for Molecular Medicine, Mass General Brigham Personalized Medicine); PubMed 26728349 (cited by Laboratory for Molecular Medicine, Mass General Brigham Personalized Medicine); PubMed 31980526 (cited by Laboratory for Molecular Medicine, Mass General Brigham Personalized Medicine); PubMed 30609409 (cited by Laboratory for Molecular Medicine, Mass General Brigham Personalized Medicine); PubMed 33631127 (cited by Laboratory for Molecular Medicine, Mass General Brigham Personalized Medicine); PubMed 29555771 (cited by Laboratory for Molecular Medicine, Mass General Brigham Personalized Medicine); PubMed 29396846 (cited by Laboratory for Molecular Medicine, Mass General Brigham Personalized Medicine).